The following is an entry in ClinVar:

ClinVar aggregate classification (germline): Pathogenic. Review status: criteria provided, single submitter (1 of 4 stars). 2 submissions from 2 submitters: Pathogenic (1). 1 of the submissions does not count toward it. Last evaluated 2022-11-27.

Conditions:
Bardet-Biedl syndrome (BBS). Identifiers: Orphanet 110, MedGen C0752166, MONDO:0015229.
Bardet-Biedl syndrome 10 (BBS10). Identifiers: Orphanet 110, MedGen C1859568, MONDO:0014438, OMIM 615987.

Submissions (2):

Labcorp Genetics (formerly Invitae), Labcorp
Classification: Pathogenic for Bardet-Biedl syndrome. Last evaluated: 2022-11-27. Review status: criteria provided, single submitter. Criteria: Invitae Variant Classification Sherloc (09022015). Collection method: clinical testing. Allele origin: germline.
Comment: For these reasons, this variant has been classified as Pathogenic. This variant disrupts a region of the BBS10 protein in which other variant(s) (p.Val707*) have been determined to be pathogenic (PMID: 20472660, 22773737, 25982971, 27486776). This suggests that this is a clinically significant region of the protein, and that variants that disrupt it are likely to be disease-causing. ClinVar contains an entry for this variant (Variation ID: 217440). This premature translational stop signal has been observed in individual(s) with Bardet-Biedl syndrome (PMID: 26518167). This variant is not present in population databases (gnomAD no frequency). This sequence change creates a premature translational stop signal (p.Thr516Asnfs*8) in the BBS10 gene. While this is not anticipated to result in nonsense mediated decay, it is expected to disrupt the last 208 amino acid(s) of the BBS10 protein.

Department Of Medical Genetics, Faculty Of Medicine, Ege University
Classification: Pathogenic for Bardet-Biedl syndrome 10. Last evaluated: 2015-10-05. Review status: no assertion criteria provided. Collection method: research. Allele origin: inherited. Affected: yes. Not counted in ClinVar's aggregate classification.

Literature cited by the submitters: PubMed 20472660 (cited by Labcorp Genetics (formerly Invitae), Labcorp); PubMed 22773737 (cited by Labcorp Genetics (formerly Invitae), Labcorp); PubMed 25982971 (cited by Labcorp Genetics (formerly Invitae), Labcorp); PubMed 27486776 (cited by Labcorp Genetics (formerly Invitae), Labcorp); PubMed 26518167 (cited by Labcorp Genetics (formerly Invitae), Labcorp and Department Of Medical Genetics, Faculty Of Medicine, Ege University).

NM_024685.4(BBS10):c.1547del (p.Thr516fs)

Gene: BBS10 (Bardet-Biedl syndrome 10; minus strand). Cytogenetic location: 12q21.2.
Variant type: Deletion.
Coding change: c.1547del on transcript NM_024685.4 (MANE Select); coding-DNA position 1547, one base deleted (C; older notation c.1547delC).
Protein change: p.Thr516fs; shifts the reading frame from threonine 516.
Molecular consequence: frameshift variant.
Genome position (GRCh38, 1-based): chr12:76,346,438, G deleted on the plus strand (C on the coding strand, the reverse complement: BBS10 is on the minus strand). VCF-style (leftmost placement, unchanged base first): chr12-76346437-TG-T. GRCh37 (hg19) VCF-style: chr12-76740217-TG-T.
Other names: c.1547del, p.Thr516fs (LRG_1255t1); short protein forms T516fs.
Identifiers: ClinVar variation 217440 (VCV000217440.5), dbSNP rs869025211, ClinGen allele CA356962.